The following is an entry in ClinVar:

NM_020207.7(ERCC6L2):c.4018C>A (p.Gln1340Lys)

Gene: ERCC6L2 (ERCC excision repair 6 like 2; plus strand). Cytogenetic location: 9q22.32.
Variant type: single nucleotide variant.
Coding change: c.4018C>A on transcript NM_020207.7 (MANE Select); coding-DNA position 4018, C replaced by A.
Protein change: p.Gln1340Lys; replaces glutamine 1340 with lysine.
Molecular consequence: missense variant. On other transcripts: non-coding transcript variant (1), intron variant (2).
Genome position (GRCh38, 1-based): chr9:96,012,568, C>A. VCF-style: chr9-96012568-C-A. GRCh37 (hg19) VCF-style: chr9-98774850-C-A.
Other names: c.3674+7867C>A (NM_001375291.1, NM_001375292.1); short protein forms Q1340K.
Identifiers: ClinVar variation 1916495 (VCV001916495.4), dbSNP rs370942727, ClinGen allele CA5140035.
Genomic context (GRCh38, chr9:96,012,568, plus strand): 5'-ACCAACAAAATTTCTCAAGTTTGCAGCCTAAAAACATATAAAAGAAAATCAGTTAAGTTT[C>A]AGAATCATATTTCCTATAGAGAAGAGGTGTTTTTTAATGATGCAGAAACTAAGAAATCAC-3'
Protein context (NP_064592.3, residues 1330-1350): KTYKRKSVKF[Gln1340Lys]NHISYREEVF

ClinVar aggregate classification (germline): Uncertain significance (1 of 4 stars; one submission).

Allele frequency attached by ClinVar (database versions not stated): gnomAD exomes below 0.00001; ExAC 0.00003; gnomAD 0.00007; ESP Exome Variant Server 0.00008; TOPMed 0.00009.
gnomAD v4.1: 19 of 1,367,280 alleles (0.0014%); highest among the groups gnomAD compares: African/African-American, 0.022%; no homozygotes.

Submission:

Labcorp Genetics (formerly Invitae), Labcorp
Classification: Uncertain significance. Last evaluated: 2024-05-23. Review status: criteria provided, single submitter. Criteria: Invitae Variant Classification Sherloc (09022015). Collection method: clinical testing. Allele origin: germline.
Comment: This sequence change replaces glutamine, which is neutral and polar, with lysine, which is basic and polar, at codon 1351 of the ERCC6L2 protein (p.Gln1351Lys). This variant is present in population databases (rs370942727, gnomAD 0.02%). This variant has not been reported in the literature in individuals affected with ERCC6L2-related conditions. ClinVar contains an entry for this variant (Variation ID: 1916495). Experimental studies and prediction algorithms are not available or were not evaluated, and the functional significance of this variant is currently unknown. In summary, the available evidence is currently insufficient to determine the role of this variant in disease. Therefore, it has been classified as a Variant of Uncertain Significance.